The following is an entry in ClinVar:

ClinVar aggregate classification (germline): Uncertain significance (1 of 4 stars; one submission).

Allele frequency attached by ClinVar (database versions not stated): ESP Exome Variant Server 0.00023; gnomAD exomes 0.00024 and 0.00061; ExAC 0.00029; gnomAD 0.00029 and 0.00030; TOPMed 0.00029.
gnomAD v4.1: 969 of 1,606,880 alleles (0.06%); highest among the groups gnomAD compares: Non-Finnish European, 0.074%; 1 homozygote.

Submission:

Labcorp Genetics (formerly Invitae), Labcorp
Classification: Uncertain significance. Last evaluated: 2026-01-07. Review status: criteria provided, single submitter. Criteria: Invitae Variant Classification Sherloc (09022015). Collection method: clinical testing. Allele origin: germline.
Comment: This sequence change replaces leucine, which is neutral and non-polar, with proline, which is neutral and non-polar, at codon 332 of the SPPL2A protein (p.Leu332Pro). This variant is present in population databases (rs200572932, gnomAD 0.05%), and has an allele count higher than expected for a pathogenic variant. This variant has not been reported in the literature in individuals affected with SPPL2A-related conditions. ClinVar contains an entry for this variant (Variation ID: 1439696). An algorithm developed to predict the effect of missense changes on protein structure and function (PolyPhen-2) suggests that this variant is likely to be disruptive. In summary, the available evidence is currently insufficient to determine the role of this variant in disease. Therefore, it has been classified as a Variant of Uncertain Significance.

NM_032802.4(SPPL2A):c.995T>C (p.Leu332Pro)

Gene: SPPL2A (signal peptide peptidase like 2A; minus strand). Cytogenetic location: 15q21.2.
Variant type: single nucleotide variant.
Coding change: c.995T>C on transcript NM_032802.4 (MANE Select); coding-DNA position 995, T replaced by C.
Protein change: p.Leu332Pro; replaces leucine 332 with proline.
Molecular consequence: missense variant.
Genome position (GRCh38, 1-based): chr15:50,732,622, A>G on the plus strand (T>C on the coding strand, the complement: SPPL2A is on the minus strand). VCF-style: chr15-50732622-A-G. GRCh37 (hg19) VCF-style: chr15-51024819-A-G.
Other names: short protein forms L332P.
Identifiers: ClinVar variation 1439696 (VCV001439696.8), dbSNP rs200572932, ClinGen allele CA7558357.